The following is an entry in ClinVar:

ClinVar aggregate classification (germline): Uncertain significance (1 of 4 stars; one submission).

Conditions:
Cardiovascular phenotype. Identifiers: MedGen CN230736.

Allele frequency attached by ClinVar (database versions not stated): ExAC 0.00001; TOPMed 0.00001.

Submission:

Ambry Genetics
Classification: Uncertain significance for Cardiovascular phenotype. Last evaluated: 2024-03-01. Review status: criteria provided, single submitter. Criteria: Ambry Variant Classification Scheme 2023. Collection method: clinical testing. Allele origin: germline.
Comment: The p.Y332C variant (also known as c.995A>G), located in coding exon 8 of the GPD1L gene, results from an A to G substitution at nucleotide position 995. The tyrosine at codon 332 is replaced by cysteine, an amino acid with highly dissimilar properties. This amino acid position is conserved. In addition, the in silico prediction for this alteration is inconclusive. Based on the available evidence, the clinical significance of this alteration remains unclear.

NM_015141.4(GPD1L):c.995A>G (p.Tyr332Cys)

Gene: GPD1L (glycerol-3-phosphate dehydrogenase 1 like; plus strand). Cytogenetic location: 3p22.3.
Variant type: single nucleotide variant.
Coding change: c.995A>G on transcript NM_015141.4 (MANE Select); coding-DNA position 995, A replaced by G.
Protein change: p.Tyr332Cys; replaces tyrosine 332 with cysteine.
Molecular consequence: missense variant.
Genome position (GRCh38, 1-based): chr3:32,165,849, A>G. VCF-style: chr3-32165849-A-G. GRCh37 (hg19) VCF-style: chr3-32207341-A-G.
Other names: short protein forms Y332C.
Identifiers: ClinVar variation 3226643 (VCV003226643.1), dbSNP rs775731610, ClinGen allele CA2296815.